The following is an entry in ClinVar:

ClinVar aggregate classification (germline): Likely benign (1 of 4 stars; one submission).

Allele frequency attached by ClinVar (database versions not stated): gnomAD 0.00009 and 0.00010; TOPMed 0.00009; gnomAD exomes 0.00021; 1000 Genomes Project 0.00040.
gnomAD v4.1: 193 of 987,624 alleles (0.02%); highest among the groups gnomAD compares: Non-Finnish European, 0.021%; no homozygotes.

Submission:

GeneDx
Classification: Likely benign. Last evaluated: 2018-02-06. Review status: criteria provided, single submitter. Criteria: GeneDx Variant Classification (06012015). Collection method: clinical testing. Allele origin: germline. Affected: yes.
Comment: This variant is considered likely benign or benign based on one or more of the following criteria: it is a conservative change, it occurs at a poorly conserved position in the protein, it is predicted to be benign by multiple in silico algorithms, and/or has population frequency not consistent with disease.

NM_054012.4(ASS1):c.-5-1915C>T

Gene: ASS1 (argininosuccinate synthase 1; plus strand). Cytogenetic location: 9q34.11.
Variant type: single nucleotide variant.
Coding change: c.-5-1915C>T on transcript NM_054012.4 (MANE Select); 1915 bases into the intron before 5 bases upstream of the start codon, C replaced by T.
Molecular consequence: intron variant. On other transcripts: 5 prime UTR variant (1).
Genome position (GRCh38, 1-based): chr9:130,450,309, C>T. VCF-style: chr9-130450309-C-T. GRCh37 (hg19) VCF-style: chr9-133325696-C-T.
Other names: c.-30C>T (NM_000050.4).
Identifiers: ClinVar variation 390066 (VCV000390066.1), dbSNP rs549216391, ClinGen allele CA16606286.